The following is an entry in ClinVar:

ClinVar aggregate classification (germline): Benign/Likely benign. Review status: criteria provided, multiple submitters, no conflicts (2 of 4 stars). 5 submissions from 5 submitters: Benign (2); Likely benign (3). Last evaluated 2026-01-15.

Conditions:
Hereditary coproporphyria (HCP). Also called: Porphyria hepatica II; CPRO deficiency; Hereditary coproporphyria porphyria; Porphyria hepatica coproporphyria; COPROPORPHYRINOGEN OXIDASE DEFICIENCY; CPO DEFICIENCY. Identifiers: Orphanet 79273, MedGen C0162531, MONDO:0007369, OMIM 121300.
CPOX-related disorder. Also called: CPOX-related disorders; CPOX-related condition.

Allele frequency attached by ClinVar (database versions not stated): 1000 Genomes Project 0.00120; 1000 Genomes Project 30x 0.00125; gnomAD exomes 0.00171 and 0.00269; gnomAD 0.00187 and 0.00193; TOPMed 0.00208; ESP Exome Variant Server 0.00223; ExAC 0.00235.
gnomAD v4.1: 4,185 of 1,610,186 alleles (0.26%); highest among the groups gnomAD compares: Non-Finnish European, 0.31%; 9 homozygotes.

Submissions (5):

Labcorp Genetics (formerly Invitae), Labcorp
Classification: Benign. Last evaluated: 2026-01-15. Review status: criteria provided, single submitter. Criteria: Invitae Variant Classification Sherloc (09022015). Collection method: clinical testing. Allele origin: germline.

PreventionGenetics, part of Exact Sciences
Classification: Likely benign for CPOX-related condition. Last evaluated: 2025-02-07. Review status: criteria provided, single submitter. Criteria: ACMG Guidelines, 2015. Collection method: clinical testing. Allele origin: germline.
Comment: This variant is classified as likely benign based on ACMG/AMP sequence variant interpretation guidelines (Richards et al. 2015 PMID: 25741868, with internal and published modifications).

Blueprint Genetics
Classification: Likely benign. Last evaluated: 2024-10-28. Review status: criteria provided, single submitter. Criteria: ACMG Guidelines, 2015. Collection method: clinical testing. Allele origin: germline.

Mayo Clinic Laboratories, Mayo Clinic
Classification: Likely benign. Last evaluated: 2024-10-11. Review status: criteria provided, single submitter. Criteria: ACMG Guidelines, 2015. Collection method: clinical testing. Allele origin: germline. Observed: 5 variant alleles.
Comment: BS1, BP4, BP7

Illumina Laboratory Services, Illumina
Classification: Benign for Hereditary coproporphyria. Last evaluated: 2018-01-13. Review status: criteria provided, single submitter. Criteria: ICSL Variant Classification Criteria 13 December 2019. Collection method: clinical testing. Allele origin: germline.
Comment: This variant was observed in the ICSL laboratory as part of a predisposition screen in an ostensibly healthy population. It had not been previously curated by ICSL or reported in the Human Gene Mutation Database (HGMD: prior to June 1st, 2018), and was therefore a candidate for classification through an automated scoring system. Utilizing variant allele frequency, disease prevalence and penetrance estimates, and inheritance mode, an automated score was calculated to assess if this variant is too frequent to cause the disease. Based on the score and internal cut-off values, a variant classified as benign is not then subjected to further curation. The score for this variant resulted in a classification of benign for this disease.

NM_000097.7(CPOX):c.556+9G>A

Gene: CPOX (coproporphyrinogen oxidase; minus strand). Cytogenetic location: 3q11.2.
Variant type: single nucleotide variant.
Coding change: c.556+9G>A on transcript NM_000097.7 (MANE Select); 9 bases into the intron after coding-DNA position 556, G replaced by A.
Molecular consequence: intron variant.
Genome position (GRCh38, 1-based): chr3:98,592,940, C>T on the plus strand (G>A on the coding strand, the complement: CPOX is on the minus strand). VCF-style: chr3-98592940-C-T. GRCh37 (hg19) VCF-style: chr3-98311784-C-T.
Other names: p.?; c.556+9G>A (LRG_1077t1).
Identifiers: ClinVar variation 346982 (VCV000346982.17), dbSNP rs184983281, ClinGen allele CA2511685.